The following is an entry in ClinVar:

ClinVar aggregate classification (germline): Uncertain significance. Review status: criteria provided, multiple submitters, no conflicts (2 of 4 stars). 2 submissions from 2 submitters: Uncertain significance (2). Last evaluated 2025-08-29.

Conditions:
Hereditary cancer-predisposing syndrome. Also called: Tumor predisposition; Hereditary neoplastic syndrome; Hereditary Cancer Syndrome; Neoplastic Syndromes, Hereditary. Identifiers: Orphanet 140162, MedGen C0027672, MeSH D009386, MONDO:0015356.
Oligodontia-cancer predisposition syndrome. Also called: TOOTH AGENESIS-COLORECTAL CANCER SYNDROME. Identifiers: Orphanet 300576, MedGen C1837750, MONDO:0012075, OMIM 608615. Disease mechanism: loss of function.

Submissions (2):

Ambry Genetics
Classification: Uncertain significance for Hereditary cancer-predisposing syndrome. Last evaluated: 2025-08-29. Review status: criteria provided, single submitter. Criteria: Ambry Variant Classification Scheme 2023. Collection method: clinical testing. Allele origin: germline.
Comment: The p.H469P variant (also known as c.1406A>C), located in coding exon 5 of the AXIN2 gene, results from an A to C substitution at nucleotide position 1406. The histidine at codon 469 is replaced by proline, an amino acid with similar properties. This amino acid position is conserved. In addition, this alteration is predicted to be tolerated by in silico analysis. Since supporting evidence is limited at this time, the clinical significance of this alteration remains unclear.

Labcorp Genetics (formerly Invitae), Labcorp
Classification: Uncertain significance for Oligodontia-cancer predisposition syndrome. Last evaluated: 2020-06-30. Review status: criteria provided, single submitter. Criteria: Invitae Variant Classification Sherloc (09022015). Collection method: clinical testing. Allele origin: germline.
Comment: In summary, the available evidence is currently insufficient to determine the role of this variant in disease. Therefore, it has been classified as a Variant of Uncertain Significance. Algorithms developed to predict the effect of missense changes on protein structure and function (SIFT, PolyPhen-2, Align-GVGD) all suggest that this variant is likely to be tolerated, but these predictions have not been confirmed by published functional studies and their clinical significance is uncertain. This variant has not been reported in the literature in individuals with AXIN2-related conditions. This variant is not present in population databases (ExAC no frequency). This sequence change replaces histidine with proline at codon 469 of the AXIN2 protein (p.His469Pro). The histidine residue is moderately conserved and there is a moderate physicochemical difference between histidine and proline.

NM_004655.4(AXIN2):c.1406A>C (p.His469Pro)

Gene: AXIN2 (axin 2; minus strand). Cytogenetic location: 17q24.1.
Variant type: single nucleotide variant.
Coding change: c.1406A>C on transcript NM_004655.4 (MANE Select); coding-DNA position 1406, A replaced by C.
Protein change: p.His469Pro; replaces histidine 469 with proline.
Molecular consequence: missense variant.
Genome position (GRCh38, 1-based): chr17:65,537,630, T>G on the plus strand (A>C on the coding strand, the complement: AXIN2 is on the minus strand). VCF-style: chr17-65537630-T-G. GRCh37 (hg19) VCF-style: chr17-63533748-T-G.
Other names: c.1406A>C, p.His469Pro (NM_001363813.1); short protein forms H469P.
Identifiers: ClinVar variation 1052889 (VCV001052889.12), dbSNP rs745555433, ClinGen allele CA400677569.